The following is an entry in ClinVar:

NM_022765.4(MICAL1):c.2419C>A (p.Arg807Ser)

Gene: MICAL1 (microtubule associated monooxygenase, calponin and LIM domain containing 1; minus strand). Cytogenetic location: 6q21.
Variant type: single nucleotide variant.
Coding change: c.2419C>A on transcript NM_022765.4 (MANE Select); coding-DNA position 2419, C replaced by A.
Protein change: p.Arg807Ser; replaces arginine 807 with serine.
Molecular consequence: missense variant.
Genome position (GRCh38, 1-based): chr6:109,446,298, G>T on the plus strand (C>A on the coding strand, the complement: MICAL1 is on the minus strand). VCF-style: chr6-109446298-G-T. GRCh37 (hg19) VCF-style: chr6-109767501-G-T.
Other names: c.2161C>A, p.Arg721Ser (NM_001159291.2); c.2476C>A, p.Arg826Ser (NM_001286613.2); short protein forms R721S, R826S, R807S.
Identifiers: ClinVar variation 1465122 (VCV001465122.6), dbSNP rs751592574, ClinGen allele CA365223669.
Genomic context (GRCh38, chr6:109,446,298, plus strand): 5'-TTTCCGGGTCAGGGGTAAGGTTAAGGGAGGACAACCGCTGGCGCTCCGGGCTGGAGAGGC[G>T]GATCTGCCGACGGGTGGGCTGGCTGGGATCTGGAACAGGACCGGCCCCCTCCTGCGAGGC-3'
Protein context (NP_073602.3, residues 797-817): DPSQPTRRQI[Arg807Ser]LSSPERQRLS

ClinVar aggregate classification (germline): Uncertain significance (1 of 4 stars; one submission).

Submission:

Labcorp Genetics (formerly Invitae), Labcorp
Classification: Uncertain significance. Last evaluated: 2022-11-15. Review status: criteria provided, single submitter. Criteria: Invitae Variant Classification Sherloc (09022015). Collection method: clinical testing. Allele origin: germline.
Comment: This sequence change replaces arginine, which is basic and polar, with serine, which is neutral and polar, at codon 826 of the MICAL1 protein (p.Arg826Ser). This variant is not present in population databases (gnomAD no frequency). Algorithms developed to predict the effect of missense changes on protein structure and function are either unavailable or do not agree on the potential impact of this missense change (SIFT: "Deleterious"; PolyPhen-2: "Possibly Damaging"; Align-GVGD: "Class C0"). ClinVar contains an entry for this variant (Variation ID: 1465122). This variant has not been reported in the literature in individuals affected with MICAL1-related conditions. In summary, the available evidence is currently insufficient to determine the role of this variant in disease. Therefore, it has been classified as a Variant of Uncertain Significance.